The following is an entry in ClinVar:

ClinVar aggregate classification (germline): Pathogenic (1 of 4 stars; one submission).

Conditions:
Early-infantile DEE. Also called: Early infantile epileptic encephalopathy; Ohtahara syndrome; Early infantile epileptic encephalopathy with suppression bursts. Identifiers: Orphanet 1934, MedGen C0393706, MONDO:0800491.

Submission:

Labcorp Genetics (formerly Invitae), Labcorp
Classification: Pathogenic for Early-infantile DEE. Last evaluated: 2022-03-28. Review status: criteria provided, single submitter. Criteria: Invitae Variant Classification Sherloc (09022015). Collection method: clinical testing. Allele origin: germline.
Comment: For these reasons, this variant has been classified as Pathogenic. This variant disrupts a region of the SCN1A protein in which other variant(s) (p.Gln1923His) have been determined to be pathogenic (Invitae). This suggests that this is a clinically significant region of the protein, and that variants that disrupt it are likely to be disease-causing. This variant has not been reported in the literature in individuals affected with SCN1A-related conditions. This variant is not present in population databases (gnomAD no frequency). This sequence change creates a premature translational stop signal (p.Leu1679*) in the SCN1A gene. While this is not anticipated to result in nonsense mediated decay, it is expected to disrupt the last 331 amino acid(s) of the SCN1A protein.

NM_001165963.4(SCN1A):c.5035del (p.Phe1678_Leu1679insTer)

Genes: SCN1A (sodium voltage-gated channel alpha subunit 1; minus strand), LOC102724058 (uncharacterized LOC102724058; plus strand). Cytogenetic location: 2q24.3.
Variant type: Deletion.
Coding change: c.5035del on transcript NM_001165963.4 (MANE Select); coding-DNA position 5035, one base deleted (C; older notation c.5035delC).
Protein change: p.Phe1678_Leu1679insTer.
Molecular consequence: nonsense. On other transcripts: non-coding transcript variant (1).
Genome position (GRCh38, 1-based): chr2:165,992,240, G deleted on the plus strand (C on the coding strand, the reverse complement: SCN1A is on the minus strand); the first of 2 consecutive G bases (chr2:165,992,240-165,992,241); deleting either gives the same sequence. VCF-style (leftmost placement, unchanged base first): chr2-165992239-AG-A. GRCh37 (hg19) VCF-style: chr2-166848749-AG-A.
Other names: c.4951del, p.Phe1650_Leu1651insTer (NM_001165964.3, NM_001353957.2, NM_001353958.2); c.5035del, p.Phe1678_Leu1679insTer (NM_001202435.3, NM_001353948.2); c.5002del, p.Phe1667_Leu1668insTer (NM_001353949.2, NM_001353950.2, NM_001353951.2 and 2 more transcripts); c.4999del, p.Phe1666_Leu1667insTer (NM_001353954.2, NM_001353955.2); c.4948del, p.Phe1649_Leu1650insTer (NM_001353960.2); c.2593del, p.Phe864_Leu865insTer (NM_001353961.2).
Identifiers: ClinVar variation 2118882 (VCV002118882.4), dbSNP rs2468338654, ClinGen allele CA2580064429.